The following is an entry in ClinVar:

ClinVar aggregate classification (germline): Uncertain significance (1 of 4 stars; one submission).

Allele frequency attached by ClinVar (database versions not stated): gnomAD 0.00001; gnomAD exomes 0.00002.
gnomAD v4.1: 23 of 1,432,922 alleles (0.0016%); highest among the groups gnomAD compares: Non-Finnish European, 0.0021%; no homozygotes.

Submission:

Labcorp Genetics (formerly Invitae), Labcorp
Classification: Uncertain significance. Last evaluated: 2022-10-24. Review status: criteria provided, single submitter. Criteria: Invitae Variant Classification Sherloc (09022015). Collection method: clinical testing. Allele origin: germline.
Comment: This sequence change replaces glycine, which is neutral and non-polar, with tryptophan, which is neutral and slightly polar, at codon 395 of the SAMD11 protein (p.Gly395Trp). This variant is present in population databases (no rsID available, gnomAD 0.003%). This variant has not been reported in the literature in individuals affected with SAMD11-related conditions. ClinVar contains an entry for this variant (Variation ID: 952704). Algorithms developed to predict the effect of missense changes on protein structure and function (SIFT, PolyPhen-2, Align-GVGD) all suggest that this variant is likely to be disruptive. In summary, the available evidence is currently insufficient to determine the role of this variant in disease. Therefore, it has been classified as a Variant of Uncertain Significance.

NM_001385641.1(SAMD11):c.1672G>T (p.Gly558Trp)

Gene: SAMD11 (sterile alpha motif domain containing 11; plus strand). Cytogenetic location: 1p36.33.
Variant type: single nucleotide variant.
Coding change: c.1672G>T on transcript NM_001385641.1 (MANE Select); coding-DNA position 1672, G replaced by T.
Protein change: p.Gly558Trp; replaces glycine 558 with tryptophan.
Molecular consequence: missense variant.
Genome position (GRCh38, 1-based): chr1:942,677, G>T. VCF-style: chr1-942677-G-T. GRCh37 (hg19) VCF-style: chr1-878057-G-T.
Other names: c.1675G>T, p.Gly559Trp (NM_001385640.1); c.1183G>T, p.Gly395Trp (NM_152486.4); short protein forms G395W, G558W, G559W.
Identifiers: ClinVar variation 952704 (VCV000952704.7), dbSNP rs1253956486, ClinGen allele CA337809016.